The following is an entry in ClinVar:

NM_198965.2(PTHLH):c.280C>T (p.Arg94Ter)

Gene: PTHLH (parathyroid hormone like hormone; minus strand). Cytogenetic location: 12p11.22.
Variant type: single nucleotide variant.
Coding change: c.280C>T on transcript NM_198965.2 (MANE Select); coding-DNA position 280, C replaced by T.
Protein change: p.Arg94Ter; replaces arginine 94 with a stop codon.
Molecular consequence: nonsense.
Genome position (GRCh38, 1-based): chr12:27,963,592, G>A on the plus strand (C>T on the coding strand, the complement: PTHLH is on the minus strand). VCF-style: chr12-27963592-G-A. GRCh37 (hg19) VCF-style: chr12-28116525-G-A.
Other names: c.280C>T, p.Arg94Ter (NM_002820.3, NM_198964.2, NM_198966.2); short protein forms R94*.
Identifiers: ClinVar variation 5019607 (VCV005019607.2).

ClinVar aggregate classification (germline): Likely pathogenic (1 of 4 stars; one submission).

Conditions:
Brachydactyly type E2 (BDE2). Identifiers: Orphanet 93387, MedGen C3150644, MONDO:0013244, OMIM 613382.

Submission:

Juno Genomics, Hangzhou Juno Genomics, Inc
Classification: Likely pathogenic for Brachydactyly type E2. Review status: criteria provided, single submitter. Criteria: ACMG Guidelines, 2015. Collection method: clinical testing. Allele origin: germline.
Comment: Absent from controls (or at extremely low frequency if recessive) in Genome Aggregation Database.;Null variant in a gene where loss of function (LOF) is a known mechanism of disease.